The following is an entry in ClinVar:

NM_003867.4(FGF17):c.614G>A (p.Arg205Gln)

Gene: FGF17 (fibroblast growth factor 17; plus strand). Cytogenetic location: 8p21.3.
Variant type: single nucleotide variant.
Coding change: c.614G>A on transcript NM_003867.4 (MANE Select); coding-DNA position 614, G replaced by A.
Protein change: p.Arg205Gln; replaces arginine 205 with glutamine.
Molecular consequence: missense variant.
Genome position (GRCh38, 1-based): chr8:22,048,212, G>A. VCF-style: chr8-22048212-G-A. GRCh37 (hg19) VCF-style: chr8-21905723-G-A.
Other names: c.581G>A, p.Arg194Gln (NM_001304478.1); c.614G>A (NM_003867.2); short protein forms R205Q, R194Q.
Identifiers: ClinVar variation 1410078 (VCV001410078.9), dbSNP rs766924668, ClinGen allele CA4659941.

ClinVar aggregate classification (germline): Uncertain significance. Review status: criteria provided, multiple submitters, no conflicts (2 of 4 stars). 2 submissions from 2 submitters: Uncertain significance (2). Last evaluated 2025-08-21.

Allele frequency attached by ClinVar (database versions not stated): ExAC 0.00001; gnomAD 0.00001; gnomAD exomes 0.00001; TOPMed 0.00002.
gnomAD v4.1: 32 of 1,610,946 alleles (0.002%); highest among the groups gnomAD compares: Non-Finnish European, 0.0025%; no homozygotes.

Submissions (2):

Ambry Genetics
Classification: Uncertain significance. Last evaluated: 2025-08-21. Review status: criteria provided, single submitter. Criteria: Ambry Variant Classification Scheme 2023. Collection method: clinical testing. Allele origin: germline.

Labcorp Genetics (formerly Invitae), Labcorp
Classification: Uncertain significance. Last evaluated: 2024-04-30. Review status: criteria provided, single submitter. Criteria: Invitae Variant Classification Sherloc (09022015). Collection method: clinical testing. Allele origin: germline.
Comment: This sequence change replaces arginine, which is basic and polar, with glutamine, which is neutral and polar, at codon 205 of the FGF17 protein (p.Arg205Gln). The frequency data for this variant in the population databases is considered unreliable, as metrics indicate poor data quality at this position in the gnomAD database. This variant has not been reported in the literature in individuals affected with FGF17-related conditions. ClinVar contains an entry for this variant (Variation ID: 1410078). An algorithm developed to predict the effect of missense changes on protein structure and function (PolyPhen-2) suggests that this variant is likely to be disruptive. In summary, the available evidence is currently insufficient to determine the role of this variant in disease. Therefore, it has been classified as a Variant of Uncertain Significance.